The following is an entry in ClinVar:

ClinVar aggregate classification (germline): Pathogenic (1 of 4 stars; one submission).

Conditions:
Combined immunodeficiency due to DOCK8 deficiency (HIES2). Also called: HIES autosomal recessive; Hyper-IgE recurrent infection syndrome, autosomal recessive; DOCK8 Deficiency; HYPER-IgE RECURRENT INFECTION SYNDROME 2, AUTOSOMAL RECESSIVE; HYPER-IgE SYNDROME 2, AUTOSOMAL RECESSIVE, WITH RECURRENT INFECTIONS. Identifiers: Orphanet 217390, MedGen C4722305, MONDO:0009478, OMIM 243700.

Submission:

Labcorp Genetics (formerly Invitae), Labcorp
Classification: Pathogenic for Combined immunodeficiency due to DOCK8 deficiency. Last evaluated: 2023-05-22. Review status: criteria provided, single submitter. Criteria: Invitae Variant Classification Sherloc (09022015). Collection method: clinical testing. Allele origin: germline.
Comment: For these reasons, this variant has been classified as Pathogenic. This variant has not been reported in the literature in individuals affected with DOCK8-related conditions. This variant is not present in population databases (gnomAD no frequency). This sequence change creates a premature translational stop signal (p.Trp1405*) in the DOCK8 gene. It is expected to result in an absent or disrupted protein product. Loss-of-function variants in DOCK8 are known to be pathogenic (PMID: 14722525, 19776401).

Literature cited by the submitters: PubMed 14722525; PubMed 19776401.

NM_203447.4(DOCK8):c.4215G>A (p.Trp1405Ter)

Gene: DOCK8 (dedicator of cytokinesis 8; plus strand). Cytogenetic location: 9p24.3.
Variant type: single nucleotide variant.
Coding change: c.4215G>A on transcript NM_203447.4 (MANE Select); coding-DNA position 4215, G replaced by A.
Protein change: p.Trp1405Ter; replaces tryptophan 1405 with a stop codon.
Molecular consequence: nonsense.
Genome position (GRCh38, 1-based): chr9:422,109, G>A. VCF-style: chr9-422109-G-A. GRCh37 (hg19) VCF-style: chr9-422109-G-A.
Other names: c.3915G>A, p.Trp1305Ter (NM_001190458.2); c.4011G>A, p.Trp1337Ter (NM_001193536.2); short protein forms W1305*, W1405*, W1337*.
Identifiers: ClinVar variation 2867127 (VCV002867127.3), dbSNP rs2538803372, ClinGen allele CA372764819.